The following is an entry in ClinVar:

ClinVar aggregate classification (germline): Pathogenic (1 of 4 stars; one submission).

Conditions:
Cystic fibrosis (CF). Also called: MUCOVISCIDOSIS. Identifiers: Orphanet 586, MedGen C0010674, MONDO:0009061, OMIM 219700. Disease mechanism: loss of function.

Submission:

Institute of Human Genetics, University of Leipzig Medical Center
Classification: Pathogenic for Cystic fibrosis. Last evaluated: 2023-07-26. Review status: criteria provided, single submitter. Criteria: ACMG Guidelines, 2015. Collection method: curation. Allele origin: unknown. Affected: yes. Observed: 1 variant allele.
Comment: This variant was classified based on the report of 1 patient with a clinically confirmed diagnosis of cystic fibrosis in the context of re-classifying variants in the German Cystic Fibrosis Registry (Muko e.V.). Patients have not been seen personally, but only reports were evaluated. Criteria applied:PVS1, PM2_SUP, PP4

NM_000492.4(CFTR):c.2382_2383del (p.Ser795fs)

Gene: CFTR (CF transmembrane conductance regulator; plus strand). Cytogenetic location: 7q31.2.
Variant type: Microsatellite.
Coding change: c.2382_2383del on transcript NM_000492.4 (MANE Select); coding-DNA positions 2382 to 2383, 2 bases deleted (GT; older notation c.2382_2383delGT).
Protein change: p.Ser795fs; shifts the reading frame from serine 795.
Molecular consequence: frameshift variant.
Genome position (GRCh38, 1-based): chr7:117,592,549-117,592,550, GT deleted; deleting any 2 consecutive bases within chr7:117,592,547-117,592,550 gives the same sequence; the c. name uses the placement nearest the transcript's 3' end. VCF-style (leftmost placement, unchanged base first): chr7-117592546-AGT-A. GRCh37 (hg19) VCF-style: chr7-117232600-AGT-A.
Other names: short protein forms S795fs.
Identifiers: ClinVar variation 2579742 (VCV002579742.1), dbSNP rs2485110649, ClinGen allele CA2580617857.